The following is an entry in ClinVar:

ClinVar aggregate classification (germline): Likely pathogenic (1 of 4 stars; one submission).

Conditions:
Neurodevelopmental-craniofacial syndrome with variable renal and cardiac abnormalities. Identifiers: MedGen C5561984, MONDO:0859190, OMIM 619522.

Submission:

Laboratorio de Genetica e Diagnostico Molecular, Hospital Israelita Albert Einstein
Classification: Likely pathogenic for Neurodevelopmental-craniofacial syndrome with variable renal and cardiac abnormalities. Last evaluated: 2025-08-01. Review status: criteria provided, single submitter. Criteria: ACMG Guidelines, 2015. Collection method: clinical testing. Allele origin: germline. Affected: yes.
Comment: ACMG classification criteria: PVS1 very strong, PM2 supporting

NM_197968.4(ZMYM2):c.2328del (p.Glu779fs)

Gene: ZMYM2 (zinc finger MYM-type containing 2; plus strand). Cytogenetic location: 13q12.11.
Variant type: Deletion.
Coding change: c.2328del on transcript NM_197968.4 (MANE Select); coding-DNA position 2328, one base deleted (T; older notation c.2328delT).
Protein change: p.Glu779fs; shifts the reading frame from glutamic acid 779.
Molecular consequence: frameshift variant. On other transcripts: non-coding transcript variant (1).
Genome position (GRCh38, 1-based): chr13:20,051,468, T deleted. VCF-style (leftmost placement, unchanged base first): chr13-20051467-CT-C. GRCh37 (hg19) VCF-style: chr13-20625607-CT-C.
Other names: c.2328del, p.Glu779fs (NM_001190964.4, NM_001190965.4, NM_001353157.2 and 5 more transcripts); c.2133del, p.Glu714fs (NM_001353161.3); c.2067del, p.Glu692fs (NM_001353163.2); short protein forms E692fs, E714fs, E779fs.
Identifiers: ClinVar variation 4846968 (VCV004846968.1).